The following is an entry in ClinVar:

NM_005739.4(RASGRP1):c.83C>G (p.Ala28Gly)

Gene: RASGRP1 (RAS guanyl releasing protein 1; minus strand). Cytogenetic location: 15q14.
Variant type: single nucleotide variant.
Coding change: c.83C>G on transcript NM_005739.4 (MANE Select); coding-DNA position 83, C replaced by G.
Protein change: p.Ala28Gly; replaces alanine 28 with glycine.
Molecular consequence: missense variant.
Genome position (GRCh38, 1-based): chr15:38,559,958, G>C on the plus strand (C>G on the coding strand, the complement: RASGRP1 is on the minus strand). VCF-style: chr15-38559958-G-C. GRCh37 (hg19) VCF-style: chr15-38852159-G-C.
Other names: c.83C>G, p.Ala28Gly (NM_001128602.2, NM_001306086.2); short protein forms A28G.
Identifiers: ClinVar variation 1477957 (VCV001477957.8), dbSNP rs2141200292, ClinGen allele CA391663183.

ClinVar aggregate classification (germline): Uncertain significance (1 of 4 stars; one submission).

Allele frequency attached by ClinVar (database versions not stated): gnomAD exomes below 0.00001.
gnomAD v4.1: 1 of 1,613,568 alleles (0.000062%); highest among the groups gnomAD compares: South Asian, 0.0011%; no homozygotes.

Submission:

Labcorp Genetics (formerly Invitae), Labcorp
Classification: Uncertain significance. Last evaluated: 2022-10-25. Review status: criteria provided, single submitter. Criteria: Invitae Variant Classification Sherloc (09022015). Collection method: clinical testing. Allele origin: germline.
Comment: In summary, the available evidence is currently insufficient to determine the role of this variant in disease. Therefore, it has been classified as a Variant of Uncertain Significance. Algorithms developed to predict the effect of missense changes on protein structure and function output the following: SIFT: "Tolerated"; PolyPhen-2: "Benign"; Align-GVGD: "Class C0". The glycine amino acid residue is found in multiple mammalian species, which suggests that this missense change does not adversely affect protein function. ClinVar contains an entry for this variant (Variation ID: 1477957). This variant has not been reported in the literature in individuals affected with RASGRP1-related conditions. This variant is not present in population databases (gnomAD no frequency). This sequence change replaces alanine, which is neutral and non-polar, with glycine, which is neutral and non-polar, at codon 28 of the RASGRP1 protein (p.Ala28Gly).